The following is an entry in ClinVar:

NM_000393.5(COL5A2):c.1868G>A (p.Ser623Asn)

Gene: COL5A2 (collagen type V alpha 2 chain; minus strand). Cytogenetic location: 2q32.2.
Variant type: single nucleotide variant.
Coding change: c.1868G>A on transcript NM_000393.5 (MANE Select); coding-DNA position 1868, G replaced by A.
Protein change: p.Ser623Asn; replaces serine 623 with asparagine.
Molecular consequence: missense variant.
Genome position (GRCh38, 1-based): chr2:189,063,173, C>T on the plus strand (G>A on the coding strand, the complement: COL5A2 is on the minus strand). VCF-style: chr2-189063173-C-T. GRCh37 (hg19) VCF-style: chr2-189927899-C-T.
Other names: short protein forms S623N.
Identifiers: ClinVar variation 1367074 (VCV001367074.6), dbSNP rs2105590768, ClinGen allele CA349879644.

ClinVar aggregate classification (germline): Uncertain significance (1 of 4 stars; one submission).

Conditions:
Ehlers-Danlos syndrome, classic type, 1 (EDSCL1). Also called: EHLERS-DANLOS SYNDROME, GRAVIS TYPE; EHLERS-DANLOS SYNDROME, SEVERE CLASSIC TYPE; Ehlers-Danlos syndrome, type 1; EDS I; Ehlers-Danlos Syndrome, Classic Type, COL5A1-Related. Identifiers: MedGen C0268335, MONDO:0019567, OMIM 130000.

Submission:

Labcorp Genetics (formerly Invitae), Labcorp
Classification: Uncertain significance for Ehlers-Danlos syndrome, classic type, 1. Last evaluated: 2022-09-01. Review status: criteria provided, single submitter. Criteria: Invitae Variant Classification Sherloc (09022015). Collection method: clinical testing. Allele origin: germline.
Comment: ClinVar contains an entry for this variant (Variation ID: 1367074). In summary, the available evidence is currently insufficient to determine the role of this variant in disease. Therefore, it has been classified as a Variant of Uncertain Significance. Algorithms developed to predict the effect of missense changes on protein structure and function are either unavailable or do not agree on the potential impact of this missense change (SIFT: "Deleterious"; PolyPhen-2: "Benign"; Align-GVGD: "Class C45"). This variant has not been reported in the literature in individuals affected with COL5A2-related conditions. This variant is not present in population databases (gnomAD no frequency). This sequence change replaces serine, which is neutral and polar, with asparagine, which is neutral and polar, at codon 623 of the COL5A2 protein (p.Ser623Asn).